The following is an entry in ClinVar:

ClinVar aggregate classification (germline): Uncertain significance (1 of 4 stars; one submission).

Conditions:
Inborn genetic diseases. Identifiers: MedGen C0950123, MeSH D030342.

Submission:

Ambry Genetics
Classification: Uncertain significance for Inborn genetic diseases. Last evaluated: 2025-08-08. Review status: criteria provided, single submitter. Criteria: Ambry Variant Classification Scheme 2023. Collection method: clinical testing. Allele origin: germline.
Comment: The p.E1015D variant (also known as c.3045G>T), located in coding exon 13 of the ASXL1 gene, results from a G to T substitution at nucleotide position 3045. The glutamic acid at codon 1015 is replaced by aspartic acid, an amino acid with highly similar properties. This amino acid position is conserved. In addition, this alteration is predicted to be tolerated by in silico analysis. Based on the available evidence, the clinical significance of this variant remains unclear.

NM_015338.6(ASXL1):c.3045G>T (p.Glu1015Asp)

Gene: ASXL1 (ASXL transcriptional regulator 1; plus strand). Cytogenetic location: 20q11.21.
Variant type: single nucleotide variant.
Coding change: c.3045G>T on transcript NM_015338.6 (MANE Select); coding-DNA position 3045, G replaced by T.
Protein change: p.Glu1015Asp; replaces glutamic acid 1015 with aspartic acid.
Molecular consequence: missense variant.
Genome position (GRCh38, 1-based): chr20:32,435,757, G>T. VCF-style: chr20-32435757-G-T. GRCh37 (hg19) VCF-style: chr20-31023560-G-T.
Other names: c.2862G>T, p.Glu954Asp (NM_001363734.1); short protein forms E1015D, E954D.
Identifiers: ClinVar variation 3958092 (VCV003958092.2).